The following is an entry in ClinVar:

ClinVar aggregate classification (germline): Uncertain significance (1 of 4 stars; one submission).

Conditions:
Inborn genetic diseases. Identifiers: MedGen C0950123, MeSH D030342.

gnomAD v4.1: 1 of 1,608,200 alleles (0.000062%); highest among the groups gnomAD compares: Admixed American, 0.0017%; no homozygotes.

Submission:

Ambry Genetics
Classification: Uncertain significance for Inborn genetic diseases. Last evaluated: 2025-03-15. Review status: criteria provided, single submitter. Criteria: Ambry Variant Classification Scheme 2023. Collection method: clinical testing. Allele origin: germline.
Comment: The p.T254A variant (also known as c.760A>G), located in coding exon 5 of the KDM1A gene, results from an A to G substitution at nucleotide position 760. The threonine at codon 254 is replaced by alanine, an amino acid with similar properties. This amino acid position is conserved. In addition, this alteration is predicted to be tolerated by in silico analysis. Based on the available evidence, the clinical significance of this variant remains unclear.

NM_001009999.3(KDM1A):c.760A>G (p.Thr254Ala)

Gene: KDM1A (lysine demethylase 1A; plus strand). Cytogenetic location: 1p36.12.
Variant type: single nucleotide variant.
Coding change: c.760A>G on transcript NM_001009999.3 (MANE Select); coding-DNA position 760, A replaced by G.
Protein change: p.Thr254Ala; replaces threonine 254 with alanine.
Molecular consequence: missense variant.
Genome position (GRCh38, 1-based): chr1:23,053,809, A>G. VCF-style: chr1-23053809-A-G. GRCh37 (hg19) VCF-style: chr1-23380302-A-G.
Other names: c.700A>G, p.Thr234Ala (NM_001363654.2, NM_001410763.1, NM_015013.4); c.760A>G, p.Thr254Ala (NM_001410762.1); short protein forms T234A, T254A.
Identifiers: ClinVar variation 4042047 (VCV004042047.1).